The following is an entry in ClinVar:

ClinVar aggregate classification (germline): Conflicting classifications of pathogenicity. Review status: criteria provided, conflicting classifications (1 of 4 stars). 6 submissions from 6 submitters: Uncertain significance (3); Benign (1); Likely benign (1). 1 of the submissions does not count toward it. Last evaluated 2025-09-03.

Conditions:
COL6A2-related disorder.
Bethlem myopathy 1A. Also called: Bethlem myopathy 1; Bethlem Muscular Dystrophy; MYOPATHY, BENIGN CONGENITAL, WITH CONTRACTURES. Identifiers: Orphanet 610, MedGen CN029274, MONDO:0024530, OMIM 158810.

Allele frequency attached by ClinVar (database versions not stated): gnomAD 0.00006 and 0.00015; TOPMed 0.00006; gnomAD exomes 0.00023; ExAC 0.00024; 1000 Genomes Project 0.00140; 1000 Genomes Project 30x 0.00187.
gnomAD v4.1: 247 of 1,613,086 alleles (0.015%); highest among the groups gnomAD compares: South Asian, 0.12%; 1 homozygote.

Submissions (6):

PreventionGenetics, part of Exact Sciences
Classification: Uncertain significance for COL6A2-related condition. Last evaluated: 2025-09-03. Review status: criteria provided, single submitter. Criteria: ACMG Guidelines, 2015. Collection method: clinical testing. Allele origin: germline.
Comment: The COL6A2 c.188C>T variant is predicted to result in the amino acid substitution p.Thr63Met. This variant has been reported in the heterozygous state in an individual with limb girdle muscular dystrophy 1A (Table S7, Nallamilli et al. 2018. PubMed ID: 30564623). This variant is reported in 0.11% of alleles in individuals of South Asian descent in gnomAD, including one homozygous observation. At this time, the clinical significance of this variant is uncertain due to the absence of conclusive functional and genetic evidence.

Labcorp Genetics (formerly Invitae), Labcorp
Classification: Benign for Bethlem myopathy 1A. Last evaluated: 2025-07-15. Review status: criteria provided, single submitter. Criteria: Invitae Variant Classification Sherloc (09022015). Collection method: clinical testing. Allele origin: germline.

Revvity Omics, Revvity
Classification: Uncertain significance. Last evaluated: 2024-06-21. Review status: criteria provided, single submitter. Criteria: ACMG Guidelines, 2015. Collection method: clinical testing. Allele origin: germline.

CeGaT Center for Human Genetics Tuebingen
Classification: Likely benign. Last evaluated: 2022-11-01. Review status: criteria provided, single submitter. Criteria: CeGaT Center For Human Genetics Tuebingen Variant Classification Criteria Version 2. Collection method: clinical testing. Allele origin: germline. Affected: yes. Observed: 1 variant allele.
Comment: COL6A2: BP4

Eurofins Ntd Llc (ga)
Classification: Uncertain significance. Last evaluated: 2018-04-26. Review status: criteria provided, single submitter. Criteria: EGL ClinVar v180209 classification definitions. Collection method: clinical testing. Allele origin: germline. Observed: 2 variant alleles, 2 heterozygotes.

Department of Pathology and Laboratory Medicine, Sinai Health System
Classification: Uncertain significance. Review status: no assertion criteria provided. Collection method: clinical testing. Allele origin: unknown. Affected: yes. Study: The Canadian Open Genetics Repository (COGR). Not counted in ClinVar's aggregate classification.
Comment: The COL6A2 p.Thr63Met variant was not identified in the literature, however it was identified in dbSNP (ID: rs201094892) as â€šÃ„ÃºWith Uncertain significance alleleâ€šÃ„Ã¹ and in the LOVD 3.0 database. In ClinVar, the variant is classified as uncertain significance by one submitter, EGL Genetic Diagnostics. In Cosmic, the variant has been confirmed somatically in central nervous system tissue (glioma) with a FATHMM prediction score of 0.47 (neutral). The variant was identified in control databases in 58 of 282230 chromosomes (1 homozygous) at a frequency of 0.000206 (Genome Aggregation Database Feb 27, 2017). The variant was observed in the following populations: South Asian in 35 of 30610 chromosomes (freq: 0.001143), East Asian in 5 of 19922 chromosomes (freq: 0.000251), African in 3 of 24890 chromosomes (freq: 0.000121), Latino in 4 of 35420 chromosomes (freq: 0.000113), European (non-Finnish) in 10 of 128732 chromosomes (freq: 0.000078) and European (Finnish) in 1 of 25082 chromosomes (freq: 0.00004); it was not observed in the Ashkenazi Jewish and Other populations. The variant occurs outside of the splicing consensus sequence and in silico or computational prediction software programs (SpliceSiteFinder, MaxEntScan, NNSPLICE, and GeneSplicer) do not predict a difference in splicing. The p.Thr63 residue is not conserved in mammals and computational analyses (PolyPhen-2, SIFT, AlignGVGD, BLOSUM, and MutationTaster) provide inconsistent predictions regarding the impact to the protein; this information is not predictive enough to rule out pathogenicity. In summary, based on the above information the clinical significance of this variant cannot be determined with certainty at this time. This variant is classified as a variant of uncertain significance.

NM_001849.4(COL6A2):c.188C>T (p.Thr63Met)

Gene: COL6A2 (collagen type VI alpha 2 chain; plus strand). Cytogenetic location: 21q22.3.
Variant type: single nucleotide variant.
Coding change: c.188C>T on transcript NM_001849.4 (MANE Select); coding-DNA position 188, C replaced by T.
Protein change: p.Thr63Met; replaces threonine 63 with methionine.
Molecular consequence: missense variant.
Genome position (GRCh38, 1-based): chr21:46,112,051, C>T. VCF-style: chr21-46112051-C-T. GRCh37 (hg19) VCF-style: chr21-47531965-C-T.
Other names: c.188C>T, p.Thr63Met (NM_058174.3, NM_058175.3); short protein forms T63M.
Identifiers: ClinVar variation 285361 (VCV000285361.43), dbSNP rs201094892, ClinGen allele CA10071227.